The following is an entry in ClinVar:

ClinVar aggregate classification (germline): Uncertain significance (1 of 4 stars; one submission).

Submission:

Ambry Genetics
Classification: Uncertain significance. Last evaluated: 2025-08-19. Review status: criteria provided, single submitter. Criteria: Ambry Variant Classification Scheme 2023. Collection method: clinical testing. Allele origin: germline.
Comment: The p.L167M variant (also known as c.499C>A), located in coding exon 3 of the GFI1 gene, results from a C to A substitution at nucleotide position 499. The leucine at codon 167 is replaced by methionine, an amino acid with highly similar properties. This amino acid position is conserved. In addition, this alteration is predicted to be tolerated by in silico analysis. Based on the available evidence, the clinical significance of this variant remains unclear.

NM_005263.5(GFI1):c.499C>A (p.Leu167Met)

Gene: GFI1 (growth factor independent 1 transcriptional repressor; minus strand). Cytogenetic location: 1p22.1.
Variant type: single nucleotide variant.
Coding change: c.499C>A on transcript NM_005263.5 (MANE Select); coding-DNA position 499, C replaced by A.
Protein change: p.Leu167Met; replaces leucine 167 with methionine.
Molecular consequence: missense variant.
Genome position (GRCh38, 1-based): chr1:92,480,888, G>T on the plus strand (C>A on the coding strand, the complement: GFI1 is on the minus strand). VCF-style: chr1-92480888-G-T. GRCh37 (hg19) VCF-style: chr1-92946445-G-T.
Other names: c.499C>A, p.Leu167Met (NM_001127215.3, NM_001127216.3); short protein forms L167M.
Identifiers: ClinVar variation 4263239 (VCV004263239.1).